The following is an entry in ClinVar:

NM_004655.4(AXIN2):c.2422G>A (p.Ala808Thr)

Gene: AXIN2 (axin 2; minus strand). Cytogenetic location: 17q24.1.
Variant type: single nucleotide variant.
Coding change: c.2422G>A on transcript NM_004655.4 (MANE Select); coding-DNA position 2422, G replaced by A.
Protein change: p.Ala808Thr; replaces alanine 808 with threonine.
Molecular consequence: missense variant.
Genome position (GRCh38, 1-based): chr17:65,530,086, C>T on the plus strand (G>A on the coding strand, the complement: AXIN2 is on the minus strand). VCF-style: chr17-65530086-C-T. GRCh37 (hg19) VCF-style: chr17-63526204-C-T.
Other names: c.2227G>A, p.Ala743Thr (NM_001363813.1); short protein forms A808T, A743T.
Identifiers: ClinVar variation 3980511 (VCV003980511.1).

ClinVar aggregate classification (germline): Uncertain significance (1 of 4 stars; one submission).

Conditions:
Hereditary cancer-predisposing syndrome. Also called: Tumor predisposition; Hereditary neoplastic syndrome; Neoplastic Syndromes, Hereditary; Hereditary Cancer Syndrome. Identifiers: Orphanet 140162, MedGen C0027672, MeSH D009386, MONDO:0015356.

Submission:

Ambry Genetics
Classification: Uncertain significance for Hereditary cancer-predisposing syndrome. Last evaluated: 2025-06-12. Review status: criteria provided, single submitter. Criteria: Ambry Variant Classification Scheme 2023. Collection method: clinical testing. Allele origin: germline.
Comment: The p.A808T variant (also known as c.2422G>A), located in coding exon 10 of the AXIN2 gene, results from a G to A substitution at nucleotide position 2422. The alanine at codon 808 is replaced by threonine, an amino acid with similar properties. This amino acid position is conserved. In addition, the in silico prediction for this alteration is inconclusive. Based on the available evidence, the clinical significance of this variant remains unclear.